The following is an entry in ClinVar:

ClinVar aggregate classification (germline): Uncertain significance (1 of 4 stars; one submission).

Conditions:
Severe combined immunodeficiency due to DNA-PKcs deficiency. Also called: IMMUNODEFICIENCY 26 WITH NEUROLOGIC ABNORMALITIES; Immunodeficiency 26 with or without neurologic abnormalities. Identifiers: Orphanet 317425, MedGen C4014833, MONDO:0014423, OMIM 615966.

Allele frequency attached by ClinVar (database versions not stated): gnomAD exomes below 0.00001; ExAC 0.00002.
gnomAD v4.1: 6 of 1,595,498 alleles (0.00038%); highest among the groups gnomAD compares: South Asian, 0.0056%; no homozygotes.

Submission:

Labcorp Genetics (formerly Invitae), Labcorp
Classification: Uncertain significance for Severe combined immunodeficiency due to DNA-PKcs deficiency. Last evaluated: 2022-07-06. Review status: criteria provided, single submitter. Criteria: Invitae Variant Classification Sherloc (09022015). Collection method: clinical testing. Allele origin: germline.
Comment: This sequence change replaces leucine, which is neutral and non-polar, with valine, which is neutral and non-polar, at codon 130 of the PRKDC protein (p.Leu130Val). This variant is present in population databases (rs780536289, gnomAD 0.007%). In summary, the available evidence is currently insufficient to determine the role of this variant in disease. Therefore, it has been classified as a Variant of Uncertain Significance. Experimental studies and prediction algorithms are not available or were not evaluated, and the functional significance of this variant is currently unknown. This variant has not been reported in the literature in individuals affected with PRKDC-related conditions.

NM_006904.7(PRKDC):c.388C>G (p.Leu130Val)

Gene: PRKDC (protein kinase, DNA-activated, catalytic subunit; minus strand). Cytogenetic location: 8q11.21.
Variant type: single nucleotide variant.
Coding change: c.388C>G on transcript NM_006904.7 (MANE Select); coding-DNA position 388, C replaced by G.
Protein change: p.Leu130Val; replaces leucine 130 with valine.
Molecular consequence: missense variant.
Genome position (GRCh38, 1-based): chr8:47,955,885, G>C on the plus strand (C>G on the coding strand, the complement: PRKDC is on the minus strand). VCF-style: chr8-47955885-G-C. GRCh37 (hg19) VCF-style: chr8-48868445-G-C.
Other names: c.388C>G, p.Leu130Val (NM_001081640.2); short protein forms L130V.
Identifiers: ClinVar variation 2076894 (VCV002076894.4), dbSNP rs780536289, ClinGen allele CA4742039.
Genomic context (GRCh38, chr8:47,955,885, plus strand): 5'-AAAAGTTACATGTTTAATGTAAAATACGTGTACTTAGAAACATAATTACCTTAATAAGAA[G>C]GTCCAGGGCTGGAATTTTACATTTAGCAGCTCTATCTTTTGTATAAACACTGGTACAAGT-3'
Protein context (NP_008835.5, residues 120-140): AAKCKIPALD[Leu130Val]LIKLLQTFRS